The following is an entry in ClinVar:

NM_001318852.2(MAPK8IP3):c.1600A>G (p.Met534Val)

Gene: MAPK8IP3 (mitogen-activated protein kinase 8 interacting protein 3; plus strand). Cytogenetic location: 16p13.3.
Variant type: single nucleotide variant.
Coding change: c.1600A>G on transcript NM_001318852.2 (MANE Select); coding-DNA position 1600, A replaced by G.
Protein change: p.Met534Val; replaces methionine 534 with valine.
Molecular consequence: missense variant.
Genome position (GRCh38, 1-based): chr16:1,762,411, A>G. VCF-style: chr16-1762411-A-G. GRCh37 (hg19) VCF-style: chr16-1812412-A-G.
Other names: c.1579A>G, p.Met527Val (NM_001040439.2); c.1597A>G, p.Met533Val (NM_015133.5, NM_033392.3); short protein forms M527V, M533V, M534V.
Identifiers: ClinVar variation 2506703 (VCV002506703.1), dbSNP rs2548096680, ClinGen allele CA394232206.
Genomic context (GRCh38, chr16:1,762,411, plus strand): 5'-GACAAAATCCCCATGGCCCAGCGCCGCCGCTTCACGCGGGTGGAGATGGCCCGTGTGCTC[A>G]TGGAGCGGAACCAGTACAAGGAGCGGCTGATGGAGCTGCAGGAGGCTGTGCGGTGGACTG-3'
Protein context (NP_001305781.1, residues 524-544): FTRVEMARVL[Met534Val]ERNQYKERLM

ClinVar aggregate classification (germline): Uncertain significance (1 of 4 stars; one submission).

Submission:

GeneDx
Classification: Uncertain significance. Last evaluated: 2022-12-10. Review status: criteria provided, single submitter. Criteria: GeneDx Variant Classification Process June 2021. Collection method: clinical testing. Allele origin: germline. Affected: yes.
Comment: Not observed at significant frequency in large population cohorts (gnomAD); In silico analysis supports that this missense variant has a deleterious effect on protein structure/function; Has not been previously published as pathogenic or benign to our knowledge